The following is an entry in ClinVar:

ClinVar aggregate classification (germline): Uncertain significance (1 of 4 stars; one submission).

Conditions:
RASopathy. Also called: Noonan spectrum disorder; rasopathies. Identifiers: Orphanet 536391, MedGen C5555857, MONDO:0021060.

gnomAD v4.1: 1 of 1,614,212 alleles (0.000062%); highest among the groups gnomAD compares: Non-Finnish European, 0.000085%; no homozygotes.

Submission:

Labcorp Genetics (formerly Invitae), Labcorp
Classification: Uncertain significance for RASopathy. Last evaluated: 2025-04-10. Review status: criteria provided, single submitter. Criteria: Invitae Variant Classification Sherloc (09022015). Collection method: clinical testing. Allele origin: germline.
Comment: This sequence change replaces valine, which is neutral and non-polar, with leucine, which is neutral and non-polar, at codon 492 of the RAF1 protein (p.Val492Leu). This variant is not present in population databases (gnomAD no frequency). This variant has not been reported in the literature in individuals affected with RAF1-related conditions. Invitae Evidence Modeling incorporating data from in vitro experimental studies (internal data) indicates that this missense variant is expected to disrupt RAF1 function with a positive predictive value of 95%. In summary, the available evidence is currently insufficient to determine the role of this variant in disease. Therefore, it has been classified as a Variant of Uncertain Significance.

NM_002880.4(RAF1):c.1474G>C (p.Val492Leu)

Gene: RAF1 (Raf-1 proto-oncogene, serine/threonine kinase; minus strand). Cytogenetic location: 3p25.2.
Variant type: single nucleotide variant.
Coding change: c.1474G>C on transcript NM_002880.4 (MANE Select); coding-DNA position 1474, G replaced by C.
Protein change: p.Val492Leu; replaces valine 492 with leucine.
Molecular consequence: missense variant. On other transcripts: non-coding transcript variant (3).
Genome position (GRCh38, 1-based): chr3:12,585,743, C>G on the plus strand (G>C on the coding strand, the complement: RAF1 is on the minus strand). VCF-style: chr3-12585743-C-G. GRCh37 (hg19) VCF-style: chr3-12627242-C-G.
Other names: c.1534G>C, p.Val512Leu (NM_001354689.3); c.1474G>C, p.Val492Leu (NM_001354690.3); c.1231G>C, p.Val411Leu (NM_001354691.3, NM_001354692.3); c.1375G>C, p.Val459Leu (NM_001354693.3); c.1291G>C, p.Val431Leu (NM_001354694.3); c.1132G>C, p.Val378Leu (NM_001354695.3); short protein forms V378L, V411L, V492L, V512L, V431L, V459L.
Identifiers: ClinVar variation 4772141 (VCV004772141.1).